The following is an entry in ClinVar:

NM_000138.5(FBN1):c.4544_4546delinsAGAT (p.Pro1515fs)

Gene: FBN1 (fibrillin 1; minus strand). Cytogenetic location: 15q21.1.
Variant type: Indel.
Coding change: c.4544_4546delinsAGAT on transcript NM_000138.5 (MANE Select); coding-DNA positions 4544 to 4546, CTG replaced by AGAT.
Protein change: p.Pro1515fs; shifts the reading frame from proline 1515.
Molecular consequence: frameshift variant.
Genome position (GRCh38, 1-based): chr15:48,468,448-48,468,450, CAG replaced by ATCT on the plus strand (CTG replaced by AGAT on the coding strand, the reverse complement: FBN1 is on the minus strand). VCF-style: chr15-48468448-CAG-ATCT. GRCh37 (hg19) VCF-style: chr15-48760645-CAG-ATCT.
Other names: c.4544_4546delinsAGAT, p.Pro1515fs (NM_001406716.1); short protein forms P1515fs.
Identifiers: ClinVar variation 2945814 (VCV002945814.3), dbSNP rs2505503068, ClinGen allele CA2695220599.

ClinVar aggregate classification (germline): Pathogenic (1 of 4 stars; one submission).

Conditions:
Marfan syndrome (MFS). Also called: MARFAN SYNDROME, TYPE I; Marfan syndrome type 1; Marfan's syndrome; Marfan syndrome, classic; FBN1-Related Marfan Syndrome. Identifiers: Orphanet 284963, Orphanet 558, MedGen C0024796, MONDO:0007947, OMIM 154700.
Familial thoracic aortic aneurysm and aortic dissection (TAAD). Also called: Thoracic aortic aneurysms and dissections. Identifiers: Orphanet 91387, MedGen C4707243, MONDO:0019625.

Submission:

Labcorp Genetics (formerly Invitae), Labcorp
Classification: Pathogenic for Marfan syndrome; Familial thoracic aortic aneurysm and aortic dissection. Last evaluated: 2023-03-26. Review status: criteria provided, single submitter. Criteria: Invitae Variant Classification Sherloc (09022015). Collection method: clinical testing. Allele origin: germline.
Comment: For these reasons, this variant has been classified as Pathogenic. This premature translational stop signal has been observed in individual(s) with FBN1-related conditions (PMID: 27611364). Information on the frequency of this variant in the gnomAD database is not available, as this variant may be reported differently in the database. This sequence change creates a premature translational stop signal (p.Pro1515Glnfs*4) in the FBN1 gene. It is expected to result in an absent or disrupted protein product. Loss-of-function variants in FBN1 are known to be pathogenic (PMID: 17657824, 19293843).

Literature cited by the submitters: PubMed 27611364; PubMed 17657824; PubMed 19293843.